The following is an entry in ClinVar:

ClinVar aggregate classification (germline): Uncertain significance. Review status: criteria provided, multiple submitters, no conflicts (2 of 4 stars). 3 submissions from 3 submitters: Uncertain significance (3). Last evaluated 2025-07-31.

Conditions:
Inborn genetic diseases. Identifiers: MedGen C0950123, MeSH D030342.

Allele frequency attached by ClinVar (database versions not stated): gnomAD 0.00002 and 0.00003; gnomAD exomes 0.00002; TOPMed 0.00002; 1000 Genomes Project 30x 0.00016; 1000 Genomes Project 0.00020.
gnomAD v4.1: 37 of 1,607,308 alleles (0.0023%); highest among the groups gnomAD compares: African/African-American, 0.004%; no homozygotes.

Submissions (3):

Ambry Genetics
Classification: Uncertain significance for Inborn genetic diseases. Last evaluated: 2025-07-31. Review status: criteria provided, single submitter. Criteria: Ambry Variant Classification Scheme 2023. Collection method: clinical testing. Allele origin: germline.

Labcorp Genetics (formerly Invitae), Labcorp
Classification: Uncertain significance. Last evaluated: 2022-07-26. Review status: criteria provided, single submitter. Criteria: Invitae Variant Classification Sherloc (09022015). Collection method: clinical testing. Allele origin: germline.
Comment: This sequence change replaces threonine, which is neutral and polar, with alanine, which is neutral and non-polar, at codon 1605 of the CDH23 protein (p.Thr1605Ala). This variant is not present in population databases (gnomAD no frequency). This variant has not been reported in the literature in individuals affected with CDH23-related conditions. ClinVar contains an entry for this variant (Variation ID: 1521047). Algorithms developed to predict the effect of missense changes on protein structure and function are either unavailable or do not agree on the potential impact of this missense change (SIFT: "Deleterious"; PolyPhen-2: "Not Available"; Align-GVGD: "Class C55"). In summary, the available evidence is currently insufficient to determine the role of this variant in disease. Therefore, it has been classified as a Variant of Uncertain Significance.

Blueprint Genetics
Classification: Uncertain significance. Last evaluated: 2018-09-26. Review status: criteria provided, single submitter. Criteria: ACMG Guidelines, 2015. Collection method: clinical testing. Allele origin: germline.

NM_022124.6(CDH23):c.4813A>G (p.Thr1605Ala)

Gene: CDH23 (cadherin related 23; plus strand). Cytogenetic location: 10q22.1.
Variant type: single nucleotide variant.
Coding change: c.4813A>G on transcript NM_022124.6 (MANE Select); coding-DNA position 4813, A replaced by G.
Protein change: p.Thr1605Ala; replaces threonine 1605 with alanine.
Molecular consequence: missense variant.
Genome position (GRCh38, 1-based): chr10:71,741,889, A>G. VCF-style: chr10-71741889-A-G. GRCh37 (hg19) VCF-style: chr10-73501646-A-G.
Other names: c.4813A>G (NM_022124.5); short protein forms T1605A.
Identifiers: ClinVar variation 1521047 (VCV001521047.5), dbSNP rs545663281, ClinGen allele CA209426708.
Genomic context (GRCh38, chr10:71,741,889, plus strand): 5'-ATCGCCACACGGCCTGCCCCGCCTGACCGCGAGCGCCAGAGCTTCTACCACCTGGTGGCC[A>G]CTGTGGAGGACGAGGGCACCCCAACCCTGTCGGTGAGCGATGGGGGTGGCCACAGGGAGG-3'
Protein context (NP_071407.4, residues 1595-1615): ERQSFYHLVA[Thr1605Ala]VEDEGTPTLS